The following is an entry in ClinVar:

ClinVar aggregate classification (germline): Benign (1 of 4 stars; one submission).

Allele frequency attached by ClinVar (database versions not stated): gnomAD 0.65995 and 0.66178; TOPMed 0.66604; 1000 Genomes Project 0.69988; 1000 Genomes Project 30x 0.70050.
gnomAD v4.1: 99,728 of 151,636 alleles (66%); highest among the groups gnomAD compares: African/African-American, 84%; 33,957 homozygotes.

Submission:

GeneDx
Classification: Benign. Last evaluated: 2018-06-14. Review status: criteria provided, single submitter. Criteria: GeneDx Variant Classification (06012015). Collection method: clinical testing. Allele origin: germline. Affected: yes.
Comment: This variant is considered likely benign or benign based on one or more of the following criteria: it is a conservative change, it occurs at a poorly conserved position in the protein, it is predicted to be benign by multiple in silico algorithms, and/or has population frequency not consistent with disease.

NM_000093.5(COL5A1):c.2799+153C>T

Gene: COL5A1 (collagen type V alpha 1 chain; plus strand). Cytogenetic location: 9q34.3.
Variant type: single nucleotide variant.
Coding change: c.2799+153C>T on transcript NM_000093.5 (MANE Select); 153 bases into the intron after coding-DNA position 2799, C replaced by T.
Molecular consequence: intron variant.
Genome position (GRCh38, 1-based): chr9:134,795,468, C>T. VCF-style: chr9-134795468-C-T. GRCh37 (hg19) VCF-style: chr9-137687314-C-T.
Other names: c.2799+153C>T (NM_001278074.1).
Identifiers: ClinVar variation 672248 (VCV000672248.1), dbSNP rs4842167, ClinGen allele CA13060290.